The following is an entry in ClinVar:

ClinVar aggregate classification (germline): Conflicting classifications of pathogenicity. Review status: criteria provided, conflicting classifications (1 of 4 stars). 4 submissions from 4 submitters: Uncertain significance (1); Benign (2); Likely benign (1). Last evaluated 2026-02-02.

Conditions:
Leigh syndrome (NULS). Also called: Leigh's syndrome; Subacute necrotizing encephalopathy; Necrotizing encephalopathy infantile subacute of Leigh; LEIGH SYNDROME, NUCLEAR; Leigh's necrotizing encephalopathy; Leigh's disease. Identifiers: Orphanet 506, MedGen C2931891, MONDO:0009723, OMIM 256000.

Allele frequency attached by ClinVar (database versions not stated): gnomAD exomes 0.00038 and 0.00082; ExAC 0.00108; gnomAD 0.00246 and 0.00263; TOPMed 0.00288; ESP Exome Variant Server 0.00308; 1000 Genomes Project 30x 0.00312; 1000 Genomes Project 0.00339.

Submissions (4):

Labcorp Genetics (formerly Invitae), Labcorp
Classification: Benign. Last evaluated: 2026-02-02. Review status: criteria provided, single submitter. Criteria: Invitae Variant Classification Sherloc (09022015). Collection method: clinical testing. Allele origin: germline.

Blueprint Genetics
Classification: Likely benign. Last evaluated: 2024-11-04. Review status: criteria provided, single submitter. Criteria: ACMG Guidelines, 2015. Collection method: clinical testing. Allele origin: germline.

Illumina Laboratory Services, Illumina
Classification: Uncertain significance for Leigh syndrome. Last evaluated: 2018-01-13. Review status: criteria provided, single submitter. Criteria: ICSL Variant Classification Criteria 13 December 2019. Collection method: clinical testing. Allele origin: germline.

GeneDx
Classification: Benign. Last evaluated: 2015-05-13. Review status: criteria provided, single submitter. Criteria: GeneDx Variant Classification (06012015). Collection method: clinical testing. Allele origin: germline. Affected: yes.
Comment: This variant is considered likely benign or benign based on one or more of the following criteria: it is a conservative change, it occurs at a poorly conserved position in the protein, it is predicted to be benign by multiple in silico algorithms, and/or has population frequency not consistent with disease.

NM_078470.6(COX15):c.582+14A>G

Gene: COX15 (cytochrome c oxidase assembly factor COX15; minus strand). Cytogenetic location: 10q24.2.
Variant type: single nucleotide variant.
Coding change: c.582+14A>G on transcript NM_078470.6 (MANE Select); 14 bases into the intron after coding-DNA position 582, A replaced by G.
Molecular consequence: intron variant.
Genome position (GRCh38, 1-based): chr10:99,726,954, T>C on the plus strand (A>G on the coding strand, the complement: COX15 is on the minus strand). VCF-style: chr10-99726954-T-C. GRCh37 (hg19) VCF-style: chr10-101486711-T-C.
Other names: c.582+14A>G (NM_001320974.2, NM_001372026.1, NM_001372028.1 and 5 more transcripts); c.45+14A>G (NM_001320976.2).
Identifiers: ClinVar variation 298416 (VCV000298416.14), dbSNP rs79410539, ClinGen allele CA5642234.